The following is an entry in ClinVar:

NM_173500.4(TTBK2):c.3425A>G (p.Lys1142Arg)

Gene: TTBK2 (tau tubulin kinase 2; minus strand). Cytogenetic location: 15q15.2.
Variant type: single nucleotide variant.
Coding change: c.3425A>G on transcript NM_173500.4 (MANE Select); coding-DNA position 3425, A replaced by G.
Protein change: p.Lys1142Arg; replaces lysine 1142 with arginine.
Molecular consequence: missense variant.
Genome position (GRCh38, 1-based): chr15:42,746,105, T>C on the plus strand (A>G on the coding strand, the complement: TTBK2 is on the minus strand). VCF-style: chr15-42746105-T-C. GRCh37 (hg19) VCF-style: chr15-43038303-T-C.
Other names: short protein forms K1142R.
Identifiers: ClinVar variation 3381896 (VCV003381896.2).

ClinVar aggregate classification (germline): Uncertain significance. Review status: criteria provided, multiple submitters, no conflicts (2 of 4 stars). 2 submissions from 2 submitters: Uncertain significance (2). Last evaluated 2025-08-25.

Conditions:
Inborn genetic diseases. Identifiers: MedGen C0950123, MeSH D030342.
Spinocerebellar ataxia type 11 (SCA11). Identifiers: Orphanet 98767, MedGen C1858351, MONDO:0011464, OMIM 604432.

gnomAD v4.1: 9 of 1,614,040 alleles (0.00056%); highest among the groups gnomAD compares: East Asian, 0.0045%; no homozygotes.

Submissions (2):

Ambry Genetics
Classification: Uncertain significance for Inborn genetic diseases. Last evaluated: 2025-08-25. Review status: criteria provided, single submitter. Criteria: Ambry Variant Classification Scheme 2023. Collection method: clinical testing. Allele origin: germline.

Juno Genomics, Hangzhou Juno Genomics, Inc
Classification: Uncertain significance for Spinocerebellar ataxia type 11. Review status: criteria provided, single submitter. Criteria: ACMG Guidelines, 2015. Collection method: clinical testing. Allele origin: germline. Affected: yes.
Comment: Absent from controls (or at extremely low frequency if recessive) in Genome Aggregation Database, Exome Sequencing Project, 1000 Genomes Project, or Exome Aggregation Consortium.;Multiple lines of computational evidence suggest no impact on gene or gene product (conservation, evolutionary, splicing impact, etc).